The following is an entry in ClinVar:

ClinVar aggregate classification (germline): Likely benign (1 of 4 stars; one submission).

Conditions:
MPI-related disorder. Also called: MPI-related condition.

Submission:

PreventionGenetics, part of Exact Sciences
Classification: Likely benign for MPI-related condition. Last evaluated: 2026-05-06. Review status: criteria provided, single submitter. Criteria: ACMG Guidelines, 2015. Collection method: clinical testing. Allele origin: germline.
Comment: This variant is classified as likely benign based on ACMG/AMP sequence variant interpretation guidelines (Richards et al. 2015 PMID: 25741868, with internal and published modifications).

NM_002435.3(MPI):c.1054-4C>T

Gene: MPI (mannose phosphate isomerase; plus strand). Cytogenetic location: 15q24.1.
Variant type: single nucleotide variant.
Coding change: c.1054-4C>T on transcript NM_002435.3 (MANE Select); 4 bases into the intron before coding-DNA position 1054, C replaced by T.
Molecular consequence: intron variant.
Genome position (GRCh38, 1-based): chr15:74,897,508, C>T. VCF-style: chr15-74897508-C-T. GRCh37 (hg19) VCF-style: chr15-75189849-C-T.
Other names: c.994-4C>T (NM_001330372.2); c.845-4C>T (NM_001289155.2); c.871-4C>T (NM_001289157.2); c.904-4C>T (NM_001289156.2).
Identifiers: ClinVar variation 4995800 (VCV004995800.1).
Genomic context (GRCh38, chr15:74,897,508, plus strand): 5'-TGGGCCCATGAGCTGATGAGAGCAGAGTCTGAGCTGCACTGCCTTATCATTTCTTCCTGC[C>T]CAGGTCCCTGGCTCTGTCACTGAATACAAGGTCTTGGCACTGGACTCTGCCAGCATCCTC-3'